The following is an entry in ClinVar:

NM_002160.4(TNC):c.628G>A (p.Gly210Ser)

Gene: TNC (tenascin C; minus strand). Cytogenetic location: 9q33.1.
Variant type: single nucleotide variant.
Coding change: c.628G>A on transcript NM_002160.4 (MANE Select); coding-DNA position 628, G replaced by A.
Protein change: p.Gly210Ser; replaces glycine 210 with serine.
Molecular consequence: missense variant.
Genome position (GRCh38, 1-based): chr9:115,087,103, C>T on the plus strand (G>A on the coding strand, the complement: TNC is on the minus strand). VCF-style: chr9-115087103-C-T. GRCh37 (hg19) VCF-style: chr9-117849382-C-T.
Other names: short protein forms G210S.
Identifiers: ClinVar variation 445486 (VCV000445486.35), dbSNP rs144032672, ClinGen allele CA5209013.

ClinVar aggregate classification (germline): Benign/Likely benign. Review status: criteria provided, multiple submitters, no conflicts (2 of 4 stars). 8 submissions from 8 submitters: Benign (3); Likely benign (4). 1 of the submissions does not count toward it. Last evaluated 2024-11-21.

Conditions:
TNC-related disorder. Also called: TNC-related condition.
Autosomal dominant nonsyndromic hearing loss 56. Also called: Deafness, autosomal dominant 56. Identifiers: Orphanet 90635, MedGen C3810170, MONDO:0014283, OMIM 615629.

Allele frequency attached by ClinVar (database versions not stated): 1000 Genomes Project 30x 0.00094; 1000 Genomes Project 0.00120; gnomAD exomes 0.00130 and 0.00266; ExAC 0.00134; gnomAD 0.00159; TOPMed 0.00180; ESP Exome Variant Server 0.00200.
gnomAD v4.1: 4,171 of 1,614,244 alleles (0.26%); highest among the groups gnomAD compares: Non-Finnish European, 0.32%; 5 homozygotes.

Submissions (8):

Blueprint Genetics
Classification: Likely benign. Last evaluated: 2024-11-21. Review status: criteria provided, single submitter. Criteria: ACMG Guidelines, 2015. Collection method: clinical testing. Allele origin: germline.

CeGaT Center for Human Genetics Tuebingen
Classification: Benign. Last evaluated: 2023-11-01. Review status: criteria provided, single submitter. Criteria: CeGaT Center For Human Genetics Tuebingen Variant Classification Criteria Version 2. Collection method: clinical testing. Allele origin: germline. Affected: yes. Observed: 1 variant allele.
Comment: TNC: BP4, BS1, BS2

Genome-Nilou Lab
Classification: Benign for Autosomal dominant nonsyndromic hearing loss 56. Last evaluated: 2022-03-15. Review status: criteria provided, single submitter. Criteria: ACMG Guidelines, 2015. Collection method: clinical testing. Allele origin: germline. Affected: no.

Athena Diagnostics
Classification: Benign. Last evaluated: 2021-05-24. Review status: criteria provided, single submitter. Criteria: Athena Diagnostics criteria. Collection method: clinical testing. Allele origin: unknown.

GeneDx
Classification: Likely benign. Last evaluated: 2020-12-16. Review status: criteria provided, single submitter. Criteria: GeneDx Variant Classification Process June 2021. Collection method: clinical testing. Allele origin: germline. Affected: yes.
Comment: This variant is associated with the following publications: (PMID: 29531218)

Labcorp Genetics (formerly Invitae), Labcorp
Classification: Likely benign. Last evaluated: 2019-12-31. Review status: criteria provided, single submitter. Criteria: Invitae Variant Classification Sherloc (09022015). Collection method: clinical testing. Allele origin: germline.

Center for Pediatric Genomic Medicine, Children's Mercy Hospital and Clinics
Classification: Likely benign. Last evaluated: 2017-06-29. Review status: criteria provided, single submitter. Criteria: ACMG Guidelines, 2015. Collection method: clinical testing. Allele origin: germline.

PreventionGenetics, part of Exact Sciences
Classification: Likely benign for TNC-related condition. Last evaluated: 2019-10-23. Review status: no assertion criteria provided. Collection method: clinical testing. Allele origin: germline. Not counted in ClinVar's aggregate classification.
Comment: This variant is classified as likely benign based on ACMG/AMP sequence variant interpretation guidelines (Richards et al. 2015 PMID: 25741868, with internal and published modifications).

Literature cited by the submitters: PubMed 31190668 (cited by Athena Diagnostics); PubMed 29531218 (cited by Athena Diagnostics).